The following is an entry in ClinVar:

NM_001136193.2(FASTKD2):c.868C>T (p.Arg290Ter)

Genes: FASTKD2 (FAST kinase domains 2; plus strand), LOC126806484 (CDK7 strongly-dependent group 2 enhancer GRCh37_chr2:207634423-207635622; plus strand). Cytogenetic location: 2q33.3.
Variant type: single nucleotide variant.
Coding change: c.868C>T on transcript NM_001136193.2 (MANE Select); coding-DNA position 868, C replaced by T.
Protein change: p.Arg290Ter; replaces arginine 290 with a stop codon.
Molecular consequence: nonsense.
Genome position (GRCh38, 1-based): chr2:206,770,181, C>T. VCF-style: chr2-206770181-C-T. GRCh37 (hg19) VCF-style: chr2-207634905-C-T.
Other names: c.868C>T, p.Arg290Ter (NM_001136194.2, NM_014929.4); short protein forms R290*.
Identifiers: ClinVar variation 800308 (VCV000800308.8), dbSNP rs778120270, ClinGen allele CA2074979.

ClinVar aggregate classification (germline): Pathogenic. Review status: criteria provided, multiple submitters, no conflicts (2 of 4 stars). 5 submissions from 5 submitters: Pathogenic (3). 2 of the submissions do not count toward it. Last evaluated 2023-04-20.

Conditions:
Leigh syndrome (NULS). Also called: Leigh's necrotizing encephalopathy; Leigh's disease; Leigh Syndrome (mtDNA deletion); Leigh's syndrome; LEIGH SYNDROME, NUCLEAR; Leigh Disease. Identifiers: Orphanet 506, MedGen C2931891, MONDO:0009723, OMIM 256000.
Combined oxidative phosphorylation deficiency 44. Also called: FASTKD2-Related Combined Oxidative Phosphorylation Deficiency. Identifiers: MedGen C5394293, MONDO:0030020, OMIM 618855.

Allele frequency attached by ClinVar (database versions not stated): ExAC 0.00001; gnomAD 0.00002; TOPMed 0.00002.
gnomAD v4.1: 14 of 1,599,388 alleles (0.00088%); highest among the groups gnomAD compares: African/African-American, 0.004%; no homozygotes.

Submissions (5):

Revvity Omics, Revvity
Classification: Pathogenic for Combined oxidative phosphorylation deficiency 44. Last evaluated: 2023-04-20. Review status: criteria provided, single submitter. Criteria: ACMG Guidelines, 2015. Collection method: clinical testing. Allele origin: germline.

GeneDx
Classification: Pathogenic. Last evaluated: 2022-12-27. Review status: criteria provided, single submitter. Criteria: GeneDx Variant Classification Process June 2021. Collection method: clinical testing. Allele origin: germline. Affected: yes.
Comment: Published functional studies suggest a damaging effect: failure to rescue mitochondrial respiration (Wei et al., 2020); Nonsense variant predicted to result in protein truncation or nonsense mediated decay in a gene for which loss-of-function is a known mechanism of disease; Not observed at significant frequency in large population cohorts (gnomAD); This variant is associated with the following publications: (PMID: 31944455, 33314036)

Juno Genomics, Hangzhou Juno Genomics, Inc
Classification: Pathogenic for Combined oxidative phosphorylation deficiency 44. Review status: criteria provided, single submitter. Criteria: ACMG Guidelines, 2015. Collection method: clinical testing. Allele origin: germline. Affected: yes.
Comment: Absent from controls (or at extremely low frequency if recessive) in Genome Aggregation Database, Exome Sequencing Project, 1000 Genomes Project, or Exome Aggregation Consortium.;Null variant in a gene where loss of function (LOF) is a known mechanism of disease.;For recessive disorders, detected in trans with a pathogenic variant.;Patient's phenotype or family history is highly specific for a disease with a single genetic etiology.

OMIM
Classification: Pathogenic for COMBINED OXIDATIVE PHOSPHORYLATION DEFICIENCY 44. Last evaluated: 2020-05-01. Review status: no assertion criteria provided. Collection method: literature only. Allele origin: germline. Not counted in ClinVar's aggregate classification.

Laboratory of Metabolic Disorders, Peking University First Hospital
Classification: Pathogenic for Leigh syndrome. Last evaluated: 2019-01-01. Review status: no assertion criteria provided. Collection method: clinical testing. Allele origin: inherited. Observed: 2 variant alleles. Not counted in ClinVar's aggregate classification.

Literature cited by the submitters: PubMed 31944455 (cited by OMIM).